The following is an entry in ClinVar:

ClinVar aggregate classification (germline): Uncertain significance (1 of 4 stars; one submission).

gnomAD v4.1: 21 of 1,549,014 alleles (0.0014%); highest among the groups gnomAD compares: Non-Finnish European, 0.0017%; no homozygotes.

Submission:

GeneDx
Classification: Uncertain significance. Last evaluated: 2020-09-09. Review status: criteria provided, single submitter. Criteria: GeneDx Variant Classification Process June 2021. Collection method: clinical testing. Allele origin: germline. Affected: yes.
Comment: Has not been previously published as pathogenic or benign to our knowledge; Not observed at a significant frequency in large population cohorts (Lek et al., 2016); In silico analysis supports that this missense variant does not alter protein structure/function

NM_004715.5(CTDP1):c.2681G>T (p.Arg894Leu)

Gene: CTDP1 (CTD phosphatase subunit 1; plus strand). Cytogenetic location: 18q23.
Variant type: single nucleotide variant.
Coding change: c.2681G>T on transcript NM_004715.5 (MANE Select); coding-DNA position 2681, G replaced by T.
Protein change: p.Arg894Leu; replaces arginine 894 with leucine.
Molecular consequence: missense variant. On other transcripts: intron variant (1).
Genome position (GRCh38, 1-based): chr18:79,736,455, G>T. VCF-style: chr18-79736455-G-T. GRCh37 (hg19) VCF-style: chr18-77496455-G-T.
Other names: c.2324G>T, p.Arg775Leu (NM_001202504.1); c.2518G>T, p.Ala840Ser (NM_048368.4); c.2580+7386G>T (NM_001318511.2); short protein forms A840S, R775L, R894L.
Identifiers: ClinVar variation 1186501 (VCV001186501.2), dbSNP rs373540065, ClinGen allele CA303785718.